The following is an entry in ClinVar:

ClinVar aggregate classification (germline): Uncertain significance (1 of 4 stars; one submission).

Conditions:
KSR2-related disorder. Also called: KSR2-related condition.

gnomAD v4.1: 34 of 1,613,532 alleles (0.0021%); highest among the groups gnomAD compares: East Asian, 0.013%; no homozygotes.

Submission:

PreventionGenetics, part of Exact Sciences
Classification: Uncertain significance for KSR2-related condition. Last evaluated: 2026-06-11. Review status: criteria provided, single submitter. Criteria: ACMG Guidelines, 2015. Collection method: clinical testing. Allele origin: germline.
Comment: The KSR2 c.2287G>A variant is predicted to result in the amino acid substitution p.Val763Ile. To our knowledge, this variant has not been reported in the literature. This variant is reported in 0.039% of alleles in individuals of East Asian descent in gnomAD. At this time, the clinical significance of this variant is uncertain due to the absence of conclusive functional and genetic evidence.

NM_173598.6(KSR2):c.2374G>A (p.Val792Ile)

Gene: KSR2 (kinase suppressor of ras 2; minus strand). Cytogenetic location: 12q24.22.
Variant type: single nucleotide variant.
Coding change: c.2374G>A on transcript NM_173598.6 (MANE Select); coding-DNA position 2374, G replaced by A.
Protein change: p.Val792Ile; replaces valine 792 with isoleucine.
Molecular consequence: missense variant.
Genome position (GRCh38, 1-based): chr12:117,484,492, C>T on the plus strand (G>A on the coding strand, the complement: KSR2 is on the minus strand). VCF-style: chr12-117484492-C-T. GRCh37 (hg19) VCF-style: chr12-117922297-C-T.
Other names: short protein forms V792I.
Identifiers: ClinVar variation 4986582 (VCV004986582.1).